The following is an entry in ClinVar:

ClinVar aggregate classification (germline): Uncertain significance (1 of 4 stars; one submission).

Submission:

Labcorp Genetics (formerly Invitae), Labcorp
Classification: Uncertain significance. Last evaluated: 2025-09-21. Review status: criteria provided, single submitter. Criteria: Invitae Variant Classification Sherloc (09022015). Collection method: clinical testing. Allele origin: germline.
Comment: This sequence change replaces serine, which is neutral and polar, with asparagine, which is neutral and polar, at codon 7 of the HSD17B10 protein (p.Ser7Asn). This variant is not present in population databases (gnomAD no frequency). This variant has not been reported in the literature in individuals affected with HSD17B10-related conditions. An algorithm developed to predict the effect of missense changes on protein structure and function (PolyPhen-2) suggests that this variant is likely to be tolerated. In summary, the available evidence is currently insufficient to determine the role of this variant in disease. Therefore, it has been classified as a Variant of Uncertain Significance.

NM_004493.3(HSD17B10):c.20G>A (p.Ser7Asn)

Gene: HSD17B10 (hydroxysteroid 17-beta dehydrogenase 10; minus strand). Cytogenetic location: Xp11.22.
Variant type: single nucleotide variant.
Coding change: c.20G>A on transcript NM_004493.3 (MANE Select); coding-DNA position 20, G replaced by A.
Protein change: p.Ser7Asn; replaces serine 7 with asparagine.
Molecular consequence: missense variant.
Genome position (GRCh38, 1-based): chrX:53,434,326, C>T on the plus strand (G>A on the coding strand, the complement: HSD17B10 is on the minus strand). VCF-style: chrX-53434326-C-T. GRCh37 (hg19) VCF-style: chrX-53461273-C-T.
Other names: c.20G>A, p.Ser7Asn (NM_001037811.2); short protein forms S7N.
Identifiers: ClinVar variation 4810019 (VCV004810019.1).